The following is an entry in ClinVar:

ClinVar aggregate classification (germline): Uncertain significance (1 of 4 stars; one submission).

Conditions:
Hereditary cancer-predisposing syndrome. Also called: Hereditary Cancer Syndrome; Hereditary neoplastic syndrome; Neoplastic Syndromes, Hereditary; Tumor predisposition. Identifiers: Orphanet 140162, MedGen C0027672, MeSH D009386, MONDO:0015356.

Allele frequency attached by ClinVar (database versions not stated): gnomAD exomes below 0.00001.
gnomAD v4.1: 2 of 1,613,908 alleles (0.00012%); highest among the groups gnomAD compares: Non-Finnish European, 0.00017%; no homozygotes.

Submission:

Ambry Genetics
Classification: Uncertain significance for Hereditary cancer-predisposing syndrome. Last evaluated: 2021-07-31. Review status: criteria provided, single submitter. Criteria: Ambry Variant Classification Scheme 2023. Collection method: clinical testing. Allele origin: germline.
Comment: The p.H323R variant (also known as c.968A>G), located in coding exon 7 of the BRIP1 gene, results from an A to G substitution at nucleotide position 968. The histidine at codon 323 is replaced by arginine, an amino acid with highly similar properties. This amino acid position is conserved. In addition, this alteration is predicted to be tolerated by in silico analysis. Since supporting evidence is limited at this time, the clinical significance of this alteration remains unclear.

NM_032043.3(BRIP1):c.968A>G (p.His323Arg)

Gene: BRIP1 (BRCA1 interacting DNA helicase 1; minus strand). Cytogenetic location: 17q23.2.
Variant type: single nucleotide variant.
Coding change: c.968A>G on transcript NM_032043.3 (MANE Select); coding-DNA position 968, A replaced by G.
Protein change: p.His323Arg; replaces histidine 323 with arginine.
Molecular consequence: missense variant.
Genome position (GRCh38, 1-based): chr17:61,801,425, T>C on the plus strand (A>G on the coding strand, the complement: BRIP1 is on the minus strand). VCF-style: chr17-61801425-T-C. GRCh37 (hg19) VCF-style: chr17-59878786-T-C.
Other names: short protein forms H323R.
Identifiers: ClinVar variation 1767789 (VCV001767789.2), dbSNP rs2145340518, ClinGen allele CA400484214.